The following is an entry in ClinVar:

ClinVar aggregate classification (germline): Uncertain significance (1 of 4 stars; one submission).

Conditions:
Arrhythmogenic cardiomyopathy with wooly hair and keratoderma. Also called: Arrhythmogenic cardiomyopathy with woolly hair and keratoderma; PALMOPLANTAR KERATODERMA WITH LEFT VENTRICULAR CARDIOMYOPATHY AND WOOLLY HAIR; Carvajal syndrome; Dilated cardiomyopathy with woolly hair and keratoderma. Identifiers: Orphanet 65282, MedGen C1854063, MONDO:0011581, OMIM 605676.
Arrhythmogenic right ventricular dysplasia 8 (ARVD8). Also called: Arrhythmogenic Right Ventricular Dysplasia/Cardiomyopathy 8; ARRHYTHMOGENIC RIGHT VENTRICULAR DYSPLASIA, FAMILIAL, 8; ARRHYTHMOGENIC RIGHT VENTRICULAR CARDIOMYOPATHY 8. Identifiers: MedGen C1843896, MONDO:0011831, OMIM 607450.

Submission:

Labcorp Genetics (formerly Invitae), Labcorp
Classification: Uncertain significance for Arrhythmogenic cardiomyopathy with wooly hair and keratoderma; Arrhythmogenic right ventricular dysplasia 8. Last evaluated: 2024-12-08. Review status: criteria provided, single submitter. Criteria: Invitae Variant Classification Sherloc (09022015). Collection method: clinical testing. Allele origin: germline.
Comment: This sequence change replaces valine, which is neutral and non-polar, with leucine, which is neutral and non-polar, at codon 1530 of the DSP protein (p.Val1530Leu). This variant is not present in population databases (gnomAD no frequency). This variant has not been reported in the literature in individuals affected with DSP-related conditions. An algorithm developed to predict the effect of missense changes on protein structure and function (PolyPhen-2) suggests that this variant is likely to be tolerated. In summary, the available evidence is currently insufficient to determine the role of this variant in disease. Therefore, it has been classified as a Variant of Uncertain Significance.

NM_004415.4(DSP):c.4588G>C (p.Val1530Leu)

Gene: DSP (desmoplakin; plus strand). Cytogenetic location: 6p24.3.
Variant type: single nucleotide variant.
Coding change: c.4588G>C on transcript NM_004415.4 (MANE Select); coding-DNA position 4588, G replaced by C.
Protein change: p.Val1530Leu; replaces valine 1530 with leucine.
Molecular consequence: missense variant. On other transcripts: intron variant (2).
Genome position (GRCh38, 1-based): chr6:7,580,778, G>C. VCF-style: chr6-7580778-G-C. GRCh37 (hg19) VCF-style: chr6-7581011-G-C.
Other names: c.4050+538G>C (NM_001319034.2); c.3582+1006G>C (NM_001008844.3); short protein forms V1530L.
Identifiers: ClinVar variation 3761159 (VCV003761159.2).
Genomic context (GRCh38, chr6:7,580,778, plus strand): 5'-GTCCAGTATGACCTGCAGAAAGCAAACAGTAGTGCGACGGAGACAATAAACAAACTGAAG[G>C]TTCAGGAGCAAGAACTGACACGCCTGAGGATCGACTATGAAAGGGTTTCCCAGGAGAGGA-3'
Protein context (NP_004406.2, residues 1520-1540): SATETINKLK[Val1530Leu]QEQELTRLRI